The following is an entry in ClinVar:

ClinVar aggregate classification (germline): Uncertain significance (1 of 4 stars; one submission).

Submission:

Labcorp Genetics (formerly Invitae), Labcorp
Classification: Uncertain significance. Last evaluated: 2025-05-15. Review status: criteria provided, single submitter. Criteria: Invitae Variant Classification Sherloc (09022015). Collection method: clinical testing. Allele origin: germline.
Comment: This variant, c.2533_2535del, results in the deletion of 1 amino acid(s) of the TAOK2 protein (p.Glu845del), but otherwise preserves the integrity of the reading frame. This variant is present in population databases (rs777339015, gnomAD 0.006%). This variant has not been reported in the literature in individuals affected with TAOK2-related conditions. Experimental studies and prediction algorithms are not available or were not evaluated, and the functional significance of this variant is currently unknown. In summary, the available evidence is currently insufficient to determine the role of this variant in disease. Therefore, it has been classified as a Variant of Uncertain Significance.

NM_016151.4(TAOK2):c.2530GAG[1] (p.Glu845del)

Gene: TAOK2 (TAO kinase 2; plus strand). Cytogenetic location: 16p11.2.
Variant type: Microsatellite.
Coding change: c.2530GAG[1] on transcript NM_016151.4 (MANE Select); one copy of the 3-base unit GAG starting at c.2530; the reference has two copies in a row; one copy, 3 bases deleted.
Protein change: p.Glu845del; deletes glutamic acid 845.
Molecular consequence: inframe deletion. On other transcripts: intron variant (2).
Genome position (GRCh38, 1-based): chr16:29,986,805-29,986,807, GAG deleted; deleting any 3 consecutive bases within chr16:29,986,802-29,986,807 gives the same sequence; the position shown is the placement nearest the transcript's 3' end. VCF-style (leftmost placement, unchanged base first): chr16-29986801-TGAG-T. GRCh37 (hg19) VCF-style: chr16-29998122-TGAG-T.
Other names: c.2232+301_2232+303del (NM_004783.4); c.2233-39_2233-37del (NM_001252043.2); short protein forms E845del.
Identifiers: ClinVar variation 3625932 (VCV003625932.2).